The following is an entry in ClinVar:

ClinVar aggregate classification (germline): Uncertain significance. Review status: criteria provided, multiple submitters, no conflicts (2 of 4 stars). 2 submissions from 2 submitters: Uncertain significance (2). Last evaluated 2026-02-03.

gnomAD v4.1: 9 of 1,611,530 alleles (0.00056%); highest among the groups gnomAD compares: Non-Finnish European, 0.00068%; no homozygotes.

Submissions (2):

Women's Health and Genetics/Laboratory Corporation of America, LabCorp
Classification: Uncertain significance. Last evaluated: 2026-02-03. Review status: criteria provided, single submitter. Criteria: LabCorp Variant Classification Summary - May 2015. Collection method: clinical testing. Allele origin: germline.
Comment: Variant summary: KMT2B c.2609A>T (p.His870Leu) results in a non-conservative amino acid change in the encoded protein sequence. Algorithms developed to predict the effect of missense changes on protein structure and function all suggest that this variant is likely to be disruptive. The variant allele was found at a frequency of 4.1e-06 in 244456 control chromosomes. The available data on variant occurrences in the general population are insufficient to allow any conclusion about variant significance. To our knowledge, no occurrence of c.2609A>T in individuals affected with KMT2B-related conditions and no experimental evidence demonstrating its impact on protein function have been reported. No submitters have cited clinical-significance assessments for this variant to ClinVar. Based on the evidence outlined above, the variant was classified as uncertain significance.

Labcorp Genetics (formerly Invitae), Labcorp
Classification: Uncertain significance. Last evaluated: 2025-03-25. Review status: criteria provided, single submitter. Criteria: Invitae Variant Classification Sherloc (09022015). Collection method: clinical testing. Allele origin: germline.
Comment: This sequence change replaces histidine, which is basic and polar, with leucine, which is neutral and non-polar, at codon 870 of the KMT2B protein (p.His870Leu). This variant is present in population databases (no rsID available, gnomAD 0.0009%). This variant has not been reported in the literature in individuals affected with KMT2B-related conditions. Invitae Evidence Modeling of protein sequence and biophysical properties (such as structural, functional, and spatial information, amino acid conservation, physicochemical variation, residue mobility, and thermodynamic stability) has been performed for this missense variant. However, the output from this modeling did not meet the statistical confidence thresholds required to predict the impact of this variant on KMT2B protein function. In summary, the available evidence is currently insufficient to determine the role of this variant in disease. Therefore, it has been classified as a Variant of Uncertain Significance.

NM_014727.3(KMT2B):c.2609A>T (p.His870Leu)

Gene: KMT2B (lysine methyltransferase 2B; plus strand). Cytogenetic location: 19q13.12.
Variant type: single nucleotide variant.
Coding change: c.2609A>T on transcript NM_014727.3 (MANE Select); coding-DNA position 2609, A replaced by T.
Protein change: p.His870Leu; replaces histidine 870 with leucine.
Molecular consequence: missense variant.
Genome position (GRCh38, 1-based): chr19:35,722,605, A>T. VCF-style: chr19-35722605-A-T. GRCh37 (hg19) VCF-style: chr19-36213507-A-T.
Other names: short protein forms H870L.
Identifiers: ClinVar variation 4692087 (VCV004692087.2).
Genomic context (GRCh38, chr19:35,722,605, plus strand): 5'-ACACACTCCGATTTCTCCCCCAGGGTCCCGAGTCCCCTGTGCAAGGTCCCCGCATCAAAC[A>T]TGTCTGCCGTCATGCTGCTGTGGCCCTGGGTCAGGCCCGGGCCATGGTGCCTGAAGATGT-3'
Protein context (NP_055542.1, residues 860-880): ESPVQGPRIK[His870Leu]VCRHAAVALG